The following is an entry in ClinVar:

ClinVar aggregate classification (germline): Uncertain significance (1 of 4 stars; one submission).

Submission:

Labcorp Genetics (formerly Invitae), Labcorp
Classification: Uncertain significance. Last evaluated: 2024-04-07. Review status: criteria provided, single submitter. Criteria: Invitae Variant Classification Sherloc (09022015). Collection method: clinical testing. Allele origin: germline.
Comment: This sequence change replaces isoleucine, which is neutral and non-polar, with threonine, which is neutral and polar, at codon 553 of the CLTC protein (p.Ile553Thr). This variant is not present in population databases (gnomAD no frequency). This variant has not been reported in the literature in individuals affected with CLTC-related conditions. Experimental studies and prediction algorithms are not available or were not evaluated, and the functional significance of this variant is currently unknown. In summary, the available evidence is currently insufficient to determine the role of this variant in disease. Therefore, it has been classified as a Variant of Uncertain Significance.

NM_004859.4(CLTC):c.1646T>C (p.Ile549Thr)

Gene: CLTC (clathrin heavy chain; plus strand). Cytogenetic location: 17q23.1.
Variant type: single nucleotide variant.
Coding change: c.1646T>C on transcript NM_004859.4 (MANE Select); coding-DNA position 1646, T replaced by C.
Protein change: p.Ile549Thr; replaces isoleucine 549 with threonine.
Molecular consequence: missense variant.
Genome position (GRCh38, 1-based): chr17:59,666,104, T>C. VCF-style: chr17-59666104-T-C. GRCh37 (hg19) VCF-style: chr17-57743465-T-C.
Other names: c.1658T>C, p.Ile553Thr (NM_001288653.2); short protein forms I549T, I553T.
Identifiers: ClinVar variation 3646012 (VCV003646012.2).
Genomic context (GRCh38, chr17:59,666,104, plus strand): 5'-TTTGTCTACATACTCTCCATAGTATCTTAAAACAATTTCTTTTAAATCTTTTTTTGTAGA[T>C]TGTAGATGTCTTTATGGAATACAATCTAATTCAGCAGTGTACTGCATTCTTGCTTGATGC-3'
Protein context (NP_004850.1, residues 539-559): DEEPLADITQ[Ile549Thr]VDVFMEYNLI